The following is an entry in ClinVar:

ClinVar aggregate classification (germline): Uncertain significance (1 of 4 stars; one submission).

Allele frequency attached by ClinVar (database versions not stated): ExAC 0.00001; gnomAD 0.00001; TOPMed 0.00001.
gnomAD v4.1: 12 of 1,613,926 alleles (0.00074%); highest among the groups gnomAD compares: South Asian, 0.0033%; no homozygotes.

Submission:

Labcorp Genetics (formerly Invitae), Labcorp
Classification: Uncertain significance. Last evaluated: 2024-01-04. Review status: criteria provided, single submitter. Criteria: Invitae Variant Classification Sherloc (09022015). Collection method: clinical testing. Allele origin: germline.
Comment: This sequence change replaces arginine, which is basic and polar, with histidine, which is basic and polar, at codon 218 of the MCM2 protein (p.Arg218His). This variant is present in population databases (rs759341862, gnomAD 0.003%). This variant has not been reported in the literature in individuals affected with MCM2-related conditions. Advanced modeling of protein sequence and biophysical properties (such as structural, functional, and spatial information, amino acid conservation, physicochemical variation, residue mobility, and thermodynamic stability) performed at Invitae indicates that this missense variant is not expected to disrupt MCM2 protein function with a negative predictive value of 80%. In summary, the available evidence is currently insufficient to determine the role of this variant in disease. Therefore, it has been classified as a Variant of Uncertain Significance.

NM_004526.4(MCM2):c.653G>A (p.Arg218His)

Gene: MCM2 (minichromosome maintenance complex component 2; plus strand). Cytogenetic location: 3q21.3.
Variant type: single nucleotide variant.
Coding change: c.653G>A on transcript NM_004526.4 (MANE Select); coding-DNA position 653, G replaced by A.
Protein change: p.Arg218His; replaces arginine 218 with histidine.
Molecular consequence: missense variant. On other transcripts: non-coding transcript variant (1).
Genome position (GRCh38, 1-based): chr3:127,605,136, G>A. VCF-style: chr3-127605136-G-A. GRCh37 (hg19) VCF-style: chr3-127323979-G-A.
Other names: short protein forms R218H.
Identifiers: ClinVar variation 3022962 (VCV003022962.3), dbSNP rs759341862, ClinGen allele CA2595652.
Genomic context (GRCh38, chr3:127,605,136, plus strand): 5'-GCTTCAAGAACTTCCTGCGCACTCACGTCGACAGCCACGGCCACAACGTCTTCAAGGAGC[G>A]CATCAGCGACATGTGCAAAGGTGTGGCTTCCCTACGCCCCCGCCTCAGCCCCTGTAGCGC-3'
Protein context (NP_004517.2, residues 208-228): DSHGHNVFKE[Arg218His]ISDMCKENRE